The following is an entry in ClinVar:

GRCh37/hg19 5p15.2-15.1(chr5:10165922-18156739)x3

Genes: ANKH (ANKH inorganic pyrophosphate transport regulator; minus strand), ANKRD33B (ankyrin repeat domain 33B; plus strand), ATPSCKMT (ATP synthase c subunit lysine N-methyltransferase; minus strand), BASP1 (brain abundant membrane attached signal protein 1; plus strand), CCT5 (chaperonin containing TCP1 subunit 5; plus strand) and 16 more. Cytogenetic location: 5p15.2-15.1.
Variant type: copy number gain.
Change: copy number 3 (three copies instead of two) of chr5:10,165,922-18,156,739 (7.99 Mb, GRCh37 coordinates, 1-based), cytogenetic band 5p15.2-15.1.
Identifiers: ClinVar variation 2446724 (VCV002446724.3).

ClinVar aggregate classification (germline): Pathogenic (0 of 4 stars; one submission).

Conditions:
Intellectual developmental disorder, autosomal dominant 63, with macrocephaly. Also called: MENTAL RETARDATION, AUTOSOMAL DOMINANT 63, WITH MACROCEPHALY. Identifiers: MedGen C5394205, MONDO:0032939, OMIM 618825.

Submission:

Medicover Genetics GmbH, Medicover Humangenetik Berlin-Lichtenberg MVZ
Classification: Pathogenic for Intellectual developmental disorder, autosomal dominant 63, with macrocephaly. Last evaluated: 2023-05-15. Review status: no assertion criteria provided. Collection method: clinical testing. Allele origin: unknown. Affected: yes. Observed: 1 heterozygote.
Comment: inheritance: de novo

Literature cited by the submitters: PubMed 32109419.